The following is an entry in ClinVar:

ClinVar aggregate classification (germline): Likely benign (0 of 4 stars; one submission).

Conditions:
MDN1-related disorder. Also called: MDN1-related condition.

Allele frequency attached by ClinVar (database versions not stated): ExAC 0.00110; TOPMed 0.00130; gnomAD 0.00137; 1000 Genomes Project 0.00140; 1000 Genomes Project 30x 0.00141; gnomAD exomes 0.00204; ESP Exome Variant Server 0.00208.
gnomAD v4.1: 3,213 of 1,614,118 alleles (0.2%); highest among the groups gnomAD compares: Non-Finnish European, 0.25%; 6 homozygotes.

Submission:

PreventionGenetics, part of Exact Sciences
Classification: Likely benign for MDN1-related condition. Last evaluated: 2022-12-05. Review status: no assertion criteria provided. Collection method: clinical testing. Allele origin: germline.
Comment: This variant is classified as likely benign based on ACMG/AMP sequence variant interpretation guidelines (Richards et al. 2015 PMID: 25741868, with internal and published modifications).

NM_014611.3(MDN1):c.9134A>G (p.Glu3045Gly)

Gene: MDN1 (midasin AAA ATPase 1; minus strand). Cytogenetic location: 6q15.
Variant type: single nucleotide variant.
Coding change: c.9134A>G on transcript NM_014611.3 (MANE Select); coding-DNA position 9134, A replaced by G.
Protein change: p.Glu3045Gly; replaces glutamic acid 3045 with glycine.
Molecular consequence: missense variant.
Genome position (GRCh38, 1-based): chr6:89,698,899, T>C on the plus strand (A>G on the coding strand, the complement: MDN1 is on the minus strand). VCF-style: chr6-89698899-T-C. GRCh37 (hg19) VCF-style: chr6-90408618-T-C.
Other names: short protein forms E3045G.
Identifiers: ClinVar variation 3039635 (VCV003039635.2), dbSNP rs116103426, ClinGen allele CA3923854.
Genomic context (GRCh38, chr6:89,698,899, plus strand): 5'-TTTTTTATAATTTTAGACCAACAAACCTTCAATGTGGAGTCCAAAACAGACTTGGGTGCC[T>C]CCCTCTGCTGCATACCAGGCAAAGGGTTCCACATTAGCCAGTACTCTGGATTTGTGGTCA-3'
Protein context (NP_055426.1, residues 3035-3055): WNPLPGMQQR[Glu3045Gly]APKSVLDSTL